The following is an entry in ClinVar:

NM_001035.3(RYR2):c.8228A>G (p.Tyr2743Cys)

Gene: RYR2 (ryanodine receptor 2; plus strand). Cytogenetic location: 1q43.
Variant type: single nucleotide variant.
Coding change: c.8228A>G on transcript NM_001035.3 (MANE Select); coding-DNA position 8228, A replaced by G.
Protein change: p.Tyr2743Cys; replaces tyrosine 2743 with cysteine.
Molecular consequence: missense variant.
Genome position (GRCh38, 1-based): chr1:237,660,004, A>G. VCF-style: chr1-237660004-A-G. GRCh37 (hg19) VCF-style: chr1-237823304-A-G.
Other names: short protein forms Y2743C.
Identifiers: ClinVar variation 201389 (VCV000201389.16), dbSNP rs368952500, ClinGen allele CA010910.
Genomic context (GRCh38, chr1:237,660,004, plus strand): 5'-AACACGTGTAAAACAATTTTTAATGTTTGCCTTTTTTTAAGTTGGCAAATGGATGGATTT[A>G]TGGAGAAATATATTCAGACTCTTCTAAGGTTCAGCCATTAATGAAGCCATATAAGCTATT-3'
Protein context (NP_001026.2, residues 2733-2753): SMDKLANGWI[Tyr2743Cys]GEIYSDSSKV

ClinVar aggregate classification (germline): Uncertain significance. Review status: criteria provided, multiple submitters, no conflicts (2 of 4 stars). 5 submissions from 5 submitters: Uncertain significance (5). Last evaluated 2025-06-10.

Conditions:
Cardiovascular phenotype. Identifiers: MedGen CN230736.
Catecholaminergic polymorphic ventricular tachycardia (CVPT). Also called: Catecholamine-induced polymorphic ventricular tachycardia. Identifiers: Orphanet 3286, MedGen C5574922, MONDO:0017990.
Cardiomyopathy (CMYO). Also called: Cardiomyopathies. Identifiers: Orphanet 167848, MedGen C0878544, MONDO:0004994, HP:0001638. Inheritance: Various modes of inheritance.
Catecholaminergic polymorphic ventricular tachycardia 1. Also called: RYR2-Related Catecholaminergic Polymorphic Ventricular Tachycardia; VENTRICULAR TACHYCARDIA, CATECHOLAMINERGIC POLYMORPHIC, 1, WITH OR WITHOUT ATRIAL DYSFUNCTION AND/OR DILATED CARDIOMYOPATHY; VENTRICULAR TACHYCARDIA, STRESS-INDUCED POLYMORPHIC 1. Identifiers: Orphanet 3286, MedGen C1631597, MONDO:0011484, OMIM 604772.

Allele frequency attached by ClinVar (database versions not stated): gnomAD 0.00001; gnomAD exomes 0.00001 and 0.00002; TOPMed 0.00001; ExAC 0.00003; ESP Exome Variant Server 0.00009.
gnomAD v4.1: 25 of 1,588,014 alleles (0.0016%); highest among the groups gnomAD compares: Non-Finnish European, 0.0021%; no homozygotes.

Submissions (5):

Women's Health and Genetics/Laboratory Corporation of America, LabCorp
Classification: Uncertain significance. Last evaluated: 2025-06-10. Review status: criteria provided, single submitter. Criteria: LabCorp Variant Classification Summary - May 2015. Collection method: clinical testing. Allele origin: germline.
Comment: Variant summary: RYR2 c.8228A>G (p.Tyr2743Cys) results in a non-conservative amino acid change in the encoded protein sequence. Algorithms developed to predict the effect of missense changes on protein structure and function all suggest that this variant is likely to be disruptive. The variant allele was found at a frequency of 1.3e-05 in 225944 control chromosomes. The available data on variant occurrences in the general population are insufficient to allow any conclusion about variant significance. To our knowledge, no occurrence of c.8228A>G in individuals affected with Catecholaminergic Polymorphic Ventricular Tachycardia and no experimental evidence demonstrating its impact on protein function have been reported. ClinVar contains an entry for this variant (Variation ID: 201389). Based on the evidence outlined above, the variant was classified as uncertain significance.

All of Us Research Program, National Institutes of Health
Classification: Uncertain significance for Catecholaminergic polymorphic ventricular tachycardia. Last evaluated: 2024-07-29. Review status: criteria provided, single submitter. Criteria: ACMG Guidelines, 2015. Collection method: clinical testing. Allele origin: germline. Inheritance: Autosomal dominant inheritance. Observed: 6 variant alleles, 6 heterozygotes.
Comment: This missense variant replaces tyrosine with cysteine at codon 2743 of the RYR2 protein. Computational prediction tool suggests that this variant may have deleterious impact on protein structure and function (internally defined REVEL score threshold >=0.7, PMID: 27666373). Splice site prediction tools suggest that this variant may not impact RNA splicing. To our knowledge, functional studies have not been performed for this variant. This variant has not been reported in individuals affected with cardiovascular disorders in the literature. This variant has been identified in 3/225944 chromosomes in the general population by the Genome Aggregation Database (gnomAD). The available evidence is insufficient to determine the role of this variant in disease conclusively. Therefore, this variant is classified as a Variant of Uncertain Significance.

This study involves interpretation of variants in research participants for the purpose of population health screening. Participant phenotype was not available at the time of variant classification. Additional details can be found in publication PMID: 35346344, PMCID: PMC8962531

Color Diagnostics, LLC DBA Color Health
Classification: Uncertain significance for Cardiomyopathy. Last evaluated: 2024-03-07. Review status: criteria provided, single submitter. Criteria: ACMG Guidelines, 2015. Collection method: clinical testing. Allele origin: germline.
Comment: This missense variant replaces tyrosine with cysteine at codon 2743 of the RYR2 protein. Computational prediction suggests that this variant may have deleterious impact on protein structure and function (internally defined REVEL score threshold >= 0.7, PMID: 27666373). To our knowledge, functional studies have not been reported for this variant. This variant has not been reported in individuals affected with RYR2-related disorders in the literature. This variant has been identified in 3/225944 chromosomes in the general population by the Genome Aggregation Database (gnomAD). The available evidence is insufficient to determine the role of this variant in disease conclusively. Therefore, this variant is classified as a Variant of Uncertain Significance.

Ambry Genetics
Classification: Uncertain significance for Cardiovascular phenotype. Last evaluated: 2021-11-04. Review status: criteria provided, single submitter. Criteria: Ambry Variant Classification Scheme 2023. Collection method: clinical testing. Allele origin: germline.
Comment: The p.Y2743C variant (also known as c.8228A>G), located in coding exon 55 of the RYR2 gene, results from an A to G substitution at nucleotide position 8228. The tyrosine at codon 2743 is replaced by cysteine, an amino acid with highly dissimilar properties. This amino acid position is well conserved in available vertebrate species. In addition, the in silico prediction for this alteration is inconclusive. Since supporting evidence is limited at this time, the clinical significance of this alteration remains unclear.

Labcorp Genetics (formerly Invitae), Labcorp
Classification: Uncertain significance for Catecholaminergic polymorphic ventricular tachycardia 1. Last evaluated: 2021-08-24. Review status: criteria provided, single submitter. Criteria: Invitae Variant Classification Sherloc (09022015). Collection method: clinical testing. Allele origin: germline.
Comment: This sequence change replaces tyrosine with cysteine at codon 2743 of the RYR2 protein (p.Tyr2743Cys). The tyrosine residue is highly conserved and there is a large physicochemical difference between tyrosine and cysteine. This variant is present in population databases (rs368952500, ExAC 0.005%). This variant has not been reported in the literature in individuals affected with RYR2-related conditions. ClinVar contains an entry for this variant (Variation ID: 201389). Advanced modeling of protein sequence and biophysical properties (such as structural, functional, and spatial information, amino acid conservation, physicochemical variation, residue mobility, and thermodynamic stability) performed at Invitae indicates that this missense variant is expected to disrupt RYR2 protein function. In summary, the available evidence is currently insufficient to determine the role of this variant in disease. Therefore, it has been classified as a Variant of Uncertain Significance.